The following is an entry in ClinVar:

ClinVar aggregate classification (germline): Uncertain significance (1 of 4 stars; one submission).

Allele frequency attached by ClinVar (database versions not stated): TOPMed below 0.00001; gnomAD 0.00001; ExAC 0.00002; gnomAD exomes 0.00002 and 0.00005.

Submission:

Labcorp Genetics (formerly Invitae), Labcorp
Classification: Uncertain significance. Last evaluated: 2025-03-17. Review status: criteria provided, single submitter. Criteria: Invitae Variant Classification Sherloc (09022015). Collection method: clinical testing. Allele origin: germline.
Comment: This sequence change replaces methionine, which is neutral and non-polar, with valine, which is neutral and non-polar, at codon 11 of the PAM16 protein (p.Met11Val). This variant is present in population databases (rs751198735, gnomAD 0.004%). This variant has not been reported in the literature in individuals affected with PAM16-related conditions. ClinVar contains an entry for this variant (Variation ID: 1511102). An algorithm developed to predict the effect of missense changes on protein structure and function (PolyPhen-2) suggests that this variant is likely to be tolerated. In summary, the available evidence is currently insufficient to determine the role of this variant in disease. Therefore, it has been classified as a Variant of Uncertain Significance.

NM_016069.11(PAM16):c.31A>G (p.Met11Val)

Genes: CORO7-PAM16 (CORO7-PAM16 readthrough; minus strand), PAM16 (presequence translocase associated motor 16; minus strand). Cytogenetic location: 16p13.3.
Variant type: single nucleotide variant.
Coding change: c.31A>G on transcript NM_016069.11 (MANE Select); coding-DNA position 31, A replaced by G.
Protein change: p.Met11Val; replaces methionine 11 with valine.
Molecular consequence: missense variant.
Genome position (GRCh38, 1-based): chr16:4,343,264, T>C on the plus strand (A>G on the coding strand, the complement: PAM16 is on the minus strand). VCF-style: chr16-4343264-T-C. GRCh37 (hg19) VCF-style: chr16-4393265-T-C.
Other names: c.2800A>G, p.Met934Val (NM_001201479.2); short protein forms M934V, M11V.
Identifiers: ClinVar variation 1511102 (VCV001511102.7), dbSNP rs751198735, ClinGen allele CA7873504.